The following is an entry in ClinVar:

NM_002878.4(RAD51D):c.163C>T (p.Arg55Trp)

Genes: RAD51D (RAD51 paralog D; minus strand), RAD51L3-RFFL (RAD51L3-RFFL readthrough; minus strand). Cytogenetic location: 17q12.
Variant type: single nucleotide variant.
Coding change: c.163C>T on transcript NM_002878.4 (MANE Select); coding-DNA position 163, C replaced by T.
Protein change: p.Arg55Trp; replaces arginine 55 with tryptophan.
Molecular consequence: missense variant. On other transcripts: intron variant (2).
Genome position (GRCh38, 1-based): chr17:35,118,601, G>A on the plus strand (C>T on the coding strand, the complement: RAD51D is on the minus strand). VCF-style: chr17-35118601-G-A. GRCh37 (hg19) VCF-style: chr17-33445620-G-A.
Other names: p.Arg55Trp; c.144+510C>T (NM_133629.3, NM_001142571.2); short protein forms R55W.
Identifiers: ClinVar variation 230594 (VCV000230594.53), dbSNP rs775268017, ClinGen allele CA8499638.

ClinVar aggregate classification (germline): Conflicting classifications of pathogenicity. Review status: criteria provided, conflicting classifications (1 of 4 stars). 13 submissions from 13 submitters: Uncertain significance (12); Likely benign (1). Last evaluated 2026-01-11.

Conditions:
Hereditary cancer-predisposing syndrome. Also called: Neoplastic Syndromes, Hereditary; Hereditary Cancer Syndrome; Tumor predisposition; Hereditary neoplastic syndrome. Identifiers: Orphanet 140162, MedGen C0027672, MeSH D009386, MONDO:0015356.
Breast-ovarian cancer, familial, susceptibility to, 4. Identifiers: Orphanet 145, MedGen C3280345, MONDO:0013669, OMIM 614291.

Allele frequency attached by ClinVar (database versions not stated): gnomAD below 0.00001 and 0.00001; TOPMed 0.00002.

Submissions (13):

Labcorp Genetics (formerly Invitae), Labcorp
Classification: Uncertain significance for Breast-ovarian cancer, familial, susceptibility to, 4. Last evaluated: 2026-01-11. Review status: criteria provided, single submitter. Criteria: Invitae Variant Classification Sherloc (09022015). Collection method: clinical testing. Allele origin: germline.
Comment: This sequence change replaces arginine, which is basic and polar, with tryptophan, which is neutral and slightly polar, at codon 55 of the RAD51D protein (p.Arg55Trp). This variant is present in population databases (rs775268017, gnomAD 0.003%). This missense change has been observed in individual(s) with breast cancer (PMID: 27616075). ClinVar contains an entry for this variant (Variation ID: 230594). Invitae Evidence Modeling of protein sequence and biophysical properties (such as structural, functional, and spatial information, amino acid conservation, physicochemical variation, residue mobility, and thermodynamic stability) indicates that this missense variant is expected to disrupt RAD51D protein function with a positive predictive value of 80%. RNA analysis performed to evaluate the impact of this missense change on mRNA splicing indicates it does not significantly alter splicing (PMID: 34200360; internal data). In summary, the available evidence is currently insufficient to determine the role of this variant in disease. Therefore, it has been classified as a Variant of Uncertain Significance.

Ambry Genetics
Classification: Uncertain significance for Hereditary cancer-predisposing syndrome. Last evaluated: 2025-11-03. Review status: criteria provided, single submitter. Criteria: Ambry Variant Classification Scheme 2023. Collection method: clinical testing. Allele origin: germline.
Comment: The p.R55W variant (also known as c.163C>T), located in coding exon 3 of the RAD51D gene, results from a C to T substitution at nucleotide position 163. The arginine at codon 55 is replaced by tryptophan, an amino acid with dissimilar properties. This alteration has identified in multiple individuals diagnosed with breast cancer (Kraus C et al. Int. J. Cancer, 2017 Jan;140:95-102; Hauke J et al. Cancer Med, 2018 Apr;7:1349-1358; Kwong A et al. J Mol Diagn, 2020 Apr;22:544-554). This amino acid position is highly conserved in available vertebrate species. In addition, the in silico prediction for this alteration is inconclusive. Since supporting evidence is limited at this time, the clinical significance of this alteration remains unclear.

Mayo Clinic Laboratories, Mayo Clinic
Classification: Uncertain significance. Last evaluated: 2025-04-19. Review status: criteria provided, single submitter. Criteria: ACMG Guidelines, 2015. Collection method: clinical testing. Allele origin: germline. Observed: 1 variant allele.

Molecular Diagnostics Laboratory, Catalan Institute of Oncology
Classification: Uncertain significance for Hereditary cancer-predisposing syndrome. Last evaluated: 2025-02-11. Review status: criteria provided, single submitter. Criteria: ACMG Guidelines, 2015. Collection method: clinical testing. Allele origin: germline.
Comment: PM2_Supporting c.163C>T, located in exon 3 of the RAD51D gene, is predicted to result in the substitution of arginine by tryptophan at codon 55, p.(Arg55Trp). This variant is found in 2/268112 alleles at a frequency of 0.0008% in the gnomAD v2.1.1 database, non-cancer dataset (PM2_supporting). The SpliceAI algorithm predicts no significant impact on splicing and the REVEL meta-predictor score (0.374) for this variant is indeterminate regarding the effect that it may have on protein function according Pejaver 2022 thresholds (PMID: 36413997). To our knowledge, neither relevant clinical data nor well-stablished functional studies have been reported for this variant. It has been reported in the ClinVar database (1x likely benign, 8x uncertain significance) and in the LOVD database (1x uncertain significance). Based on the currently available information, c.163C>T is classified as an uncertain significance variant according to ACMG guidelines.

Quest Diagnostics Nichols Institute San Juan Capistrano
Classification: Uncertain significance. Last evaluated: 2025-01-02. Review status: criteria provided, single submitter. Criteria: Quest Diagnostics criteria. Collection method: clinical testing. Allele origin: unknown.
Comment: The RAD51D c.163C>T (p.Arg55Trp) variant has been reported in the published literature in individuals with breast cancer (PMIDs: 29522266 (2018), 27616075 (2017)), suspected hereditary breast/ovarian syndrome (PMID: 32068069 (2020)), and also in reportedly healthy individuals (PMID: 36243179 (2023)). An experimental study indicates this variant has a mild effect on RAD51D mRNA splicing in vitro (PMID: 34200360 (2021)). The frequency of this variant in the general population (Genome Aggregation Database) is uninformative in the assessment of its pathogenicity. Analysis of this variant using bioinformatics tools for the prediction of the effect of amino acid changes on protein structure and function yielded predictions that this variant is damaging. Based on the available information, we are unable to determine the clinical significance of this variant.

Blueprint Genetics
Classification: Uncertain significance. Last evaluated: 2024-08-05. Review status: criteria provided, single submitter. Criteria: ACMG Guidelines, 2015. Collection method: clinical testing. Allele origin: germline.

Revvity Omics, Revvity
Classification: Uncertain significance. Last evaluated: 2023-12-29. Review status: criteria provided, single submitter. Criteria: ACMG Guidelines, 2015. Collection method: clinical testing. Allele origin: germline.

Baylor Genetics
Classification: Uncertain significance for Breast-ovarian cancer, familial, susceptibility to, 4. Last evaluated: 2023-10-18. Review status: criteria provided, single submitter. Criteria: ACMG Guidelines, 2015. Collection method: clinical testing. Allele origin: unknown.

CeGaT Center for Human Genetics Tuebingen
Classification: Uncertain significance. Last evaluated: 2023-07-01. Review status: criteria provided, single submitter. Criteria: CeGaT Center For Human Genetics Tuebingen Variant Classification Criteria Version 2. Collection method: clinical testing. Allele origin: germline. Affected: yes. Observed: 1 variant allele.
Comment: RAD51D: PM2, BP1, BP4

KCCC/NGS Laboratory, Kuwait Cancer Control Center
Classification: Uncertain significance for Breast-ovarian cancer, familial, susceptibility to, 4. Last evaluated: 2023-05-29. Review status: criteria provided, single submitter. Criteria: ACMG Guidelines, 2015. Collection method: clinical testing. Allele origin: unknown. Inheritance: Autosomal dominant inheritance. Affected: yes. Observed: 1 heterozygote.
Comment: a variant of uncertain significance was detected in the RAD51D gene (p.Arg55Trp).This sequence change replaces arginine, which is basic and polar, with tryptophan, which is neutral and slightly polar, at codon 55 of the RAD51D protein (p.Arg55Trp). This variant is present in population databases (rs775268017, gnomAD 0.003%). This amino acid position is mild conserved (PhyloP=3.9). This missense change has been observed in individual(s) with breast cancer (PMID: 27616075). ClinVar contains an entry for this variant (Variation ID: 230594). In addition, this alteration is predicted to be tolerated by in silico analysis. RNA analysis performed to evaluate the impact of this missense change on mRNA splicing indicates it does not significantly alter splicing (PMID: 34200360). In summary, the available evidence is currently insufficient to determine the role of this variant in disease. Therefore, it has been classified as a Variant of Uncertain Significance.

Color Diagnostics, LLC DBA Color Health
Classification: Uncertain significance for Hereditary cancer-predisposing syndrome. Last evaluated: 2023-04-24. Review status: criteria provided, single submitter. Criteria: ACMG Guidelines, 2015. Collection method: clinical testing. Allele origin: germline.
Comment: This missense variant replaces arginine with tryptophan at codon 55 of the RAD51D protein. Computational prediction suggests that this variant may not impact protein structure and function (internally defined REVEL score threshold <= 0.5, PMID: 27666373). A mini-gene splicing assay has shown this variant to affect splicing, resulting in the production of multiple different transcripts with the normal, full-length transcript being the most abundant transcript (PMID: 34200360). This variant has been reported in an individual affected with breast cancer (PMID: 27616075). This variant has been identified in 2/251236 chromosomes in the general population by the Genome Aggregation Database (gnomAD). The available evidence is insufficient to determine the role of this variant in disease conclusively. Therefore, this variant is classified as a Variant of Uncertain Significance.

Women's Health and Genetics/Laboratory Corporation of America, LabCorp
Classification: Uncertain significance. Last evaluated: 2022-04-15. Review status: criteria provided, single submitter. Criteria: LabCorp Variant Classification Summary - May 2015. Collection method: clinical testing. Allele origin: germline.
Comment: Variant summary: RAD51D c.163C>T (p.Arg55Trp) results in a non-conservative amino acid change in the encoded protein sequence. Four of five in-silico tools predict a damaging effect of the variant on protein function. The variant allele was found at a frequency of 8e-06 in 251236 control chromosomes (gnomAD). The available data on variant occurrences in the general population are insufficient to allow any conclusion about variant significance. c.163C>T has been reported in the literature in individuals affected with Breast/Ovarian Cancer (Kraus_2016, Kwong_2020), however, these reports do not provide unequivocal conclusions about association of the variant with Hereditary Breast And Ovarian Cancer Syndrome. Co-occurrences with another pathogenic variant has been seen in our laboratory (BRCA1 c.3598C>T, p.Q1200*), providing supporting evidence for a benign role. A minigene splicing assay spanning exon 2-9 has demonstrated that the variant does not significantly impact splicing as compared to the wild-type sequence, showing that 62% of the total transcripts produced were of full length compared to 73% seen with wild type (Bueno-Martinez_2021). Four ClinVar submitters have assessed the variant since 2014: three classified the variant as of uncertain significance and one as likely benign. Based on the evidence outlined above, the variant was classified as uncertain significance.

GeneDx
Classification: Likely benign. Last evaluated: 2020-11-23. Review status: criteria provided, single submitter. Criteria: GeneDx Variant Classification Process June 2021. Collection method: clinical testing. Allele origin: germline. Affected: yes.
Comment: This variant is associated with the following publications: (PMID: 29522266, 27616075)

Literature cited by the submitters: PubMed 27616075 (cited by 6 submitters); PubMed 34200360 (cited by 4 submitters); PubMed 29522266 (cited by 3 submitters); PubMed 32068069 (cited by 3 submitters); PubMed 36243179 (cited by Quest Diagnostics Nichols Institute San Juan Capistrano).